The following is an entry in ClinVar:

NM_024422.6(DSC2):c.872C>T (p.Ser291Leu)

Gene: DSC2 (desmocollin 2; minus strand). Cytogenetic location: 18q12.1.
Variant type: single nucleotide variant.
Coding change: c.872C>T on transcript NM_024422.6 (MANE Select); coding-DNA position 872, C replaced by T.
Protein change: p.Ser291Leu; replaces serine 291 with leucine.
Molecular consequence: missense variant.
Genome position (GRCh38, 1-based): chr18:31,086,646, G>A on the plus strand (C>T on the coding strand, the complement: DSC2 is on the minus strand). VCF-style: chr18-31086646-G-A. GRCh37 (hg19) VCF-style: chr18-28666609-G-A.
Other names: c.872C>T, p.Ser291Leu (NM_004949.5); short protein forms S291L.
Identifiers: ClinVar variation 519431 (VCV000519431.13), dbSNP rs755952123, ClinGen allele CA040393.
Genomic context (GRCh38, chr18:31,086,646, plus strand): 5'-AGCTGAGATGATGTTGTGGTGATCACGCCTGTAGTTGGATGCATAGAAAATAGGGTGGGT[G>A]ATGGTGGCACCTGCCCAATGATGGAGTACTTCAGGCGTGTGTGCATCGTGTCAGGCTCAT-3'
Protein context (NP_077740.1, residues 281-301): KYSIIGQVPP[Ser291Leu]PTLFSMHPTT

ClinVar aggregate classification (germline): Uncertain significance. Review status: criteria provided, multiple submitters, no conflicts (2 of 4 stars). 4 submissions from 4 submitters: Uncertain significance (4). Last evaluated 2023-08-15.

Conditions:
Familial isolated arrhythmogenic right ventricular dysplasia. Identifiers: Orphanet 217656, MedGen C4274968, MONDO:0016342.
Arrhythmogenic right ventricular dysplasia 11. Also called: Arrhythmogenic Right Ventricular Dysplasia/Cardiomyopathy11; ARRHYTHMOGENIC RIGHT VENTRICULAR DYSPLASIA, FAMILIAL, 11; Arrhythmogenic right ventricular dysplasia 11 with mild palmoplantar keratoderma and woolly hair. Identifiers: MedGen C1864850, MONDO:0012506, OMIM 610476.
Cardiovascular phenotype. Identifiers: MedGen CN230736.
Cardiomyopathy (CMYO). Also called: Cardiomyopathies. Identifiers: Orphanet 167848, MedGen C0878544, MONDO:0004994, HP:0001638. Inheritance: Various modes of inheritance.

Allele frequency attached by ClinVar (database versions not stated): TOPMed below 0.00001; ExAC 0.00001; gnomAD exomes 0.00001.
gnomAD v4.1: 4 of 1,614,206 alleles (0.00025%); highest among the groups gnomAD compares: Non-Finnish European, 0.00034%; no homozygotes.

Submissions (4):

All of Us Research Program, National Institutes of Health
Classification: Uncertain significance for Familial isolated arrhythmogenic right ventricular dysplasia. Last evaluated: 2023-08-15. Review status: criteria provided, single submitter. Criteria: ACMG Guidelines, 2015. Collection method: clinical testing. Allele origin: germline. Inheritance: Autosomal dominant inheritance. Observed: 1 variant allele, 1 heterozygote.
Comment: This missense variant replaces serine with leucine at codon 291 of the DSC2 protein. Computational prediction tools and conservation analyses suggest that this variant may not impact the protein function. Computational splicing tools suggest that this variant may not impact RNA splicing. To our knowledge, functional assays have not been performed for this variant nor has this variant been reported in individuals affected with cardiovascular disorders in the literature. This variant has been identified in 3/251422 chromosomes in the general population by the Genome Aggregation Database (gnomAD). Available evidence is insufficient to determine the role of this variant in disease conclusively. Therefore, this variant is classified as a Variant of Uncertain Significance.

This study involves interpretation of variants in research participants for the purpose of population health screening. Participant phenotype was not available at the time of variant classification. Additional details can be found in publication PMID: 35346344, PMCID: PMC8962531

Color Diagnostics, LLC DBA Color Health
Classification: Uncertain significance for Cardiomyopathy. Last evaluated: 2023-08-02. Review status: criteria provided, single submitter. Criteria: ACMG Guidelines, 2015. Collection method: clinical testing. Allele origin: germline.
Comment: This missense variant replaces serine with leucine at codon 291 of the DSC2 protein. Computational prediction suggests that this variant may not impact protein structure and function (internally defined REVEL score threshold <= 0.5, PMID: 27666373). To our knowledge, functional studies have not been reported for this variant. This variant has not been reported in individuals affected with cardiovascular disorders in the literature. This variant has been identified in 3/251422 chromosomes in the general population by the Genome Aggregation Database (gnomAD). The available evidence is insufficient to determine the role of this variant in disease conclusively. Therefore, this variant is classified as a Variant of Uncertain Significance.

Labcorp Genetics (formerly Invitae), Labcorp
Classification: Uncertain significance for Arrhythmogenic right ventricular dysplasia 11. Last evaluated: 2021-08-31. Review status: criteria provided, single submitter. Criteria: Invitae Variant Classification Sherloc (09022015). Collection method: clinical testing. Allele origin: germline.
Comment: This sequence change replaces serine with leucine at codon 291 of the DSC2 protein (p.Ser291Leu). The serine residue is weakly conserved and there is a large physicochemical difference between serine and leucine. This variant is present in population databases (rs755952123, ExAC 0.001%). This variant has not been reported in the literature in individuals affected with DSC2-related conditions. ClinVar contains an entry for this variant (Variation ID: 519431). Algorithms developed to predict the effect of missense changes on protein structure and function output the following: SIFT: "Tolerated"; PolyPhen-2: "Not Available"; Align-GVGD: "Class C0". The leucine amino acid residue is found in multiple mammalian species, which suggests that this missense change does not adversely affect protein function. In summary, the available evidence is currently insufficient to determine the role of this variant in disease. Therefore, it has been classified as a Variant of Uncertain Significance.

Ambry Genetics
Classification: Uncertain significance for Cardiovascular phenotype. Last evaluated: 2017-04-13. Review status: criteria provided, single submitter. Criteria: Ambry Variant Classification Scheme 2023. Collection method: clinical testing. Allele origin: germline.
Comment: The p.S291L variant (also known as c.872C>T), located in coding exon 7 of the DSC2 gene, results from a C to T substitution at nucleotide position 872. The serine at codon 291 is replaced by leucine, an amino acid with dissimilar properties. This amino acid position is not well conserved in available vertebrate species, and leucine is the reference amino acid in other vertebrate species. In addition, this alteration is predicted to be tolerated by in silico analysis. Since supporting evidence is limited at this time, the clinical significance of this alteration remains unclear.